The following is an entry in ClinVar:

ClinVar aggregate classification (germline): Benign/Likely benign. Review status: criteria provided, multiple submitters, no conflicts (2 of 4 stars). 4 submissions from 4 submitters: Benign (1); Likely benign (2). 1 of the submissions does not count toward it. Last evaluated 2025-01-08.

Conditions:
Hereditary cancer-predisposing syndrome. Also called: Hereditary Cancer Syndrome; Tumor predisposition; Hereditary neoplastic syndrome; Neoplastic Syndromes, Hereditary. Identifiers: Orphanet 140162, MedGen C0027672, MeSH D009386, MONDO:0015356.
Ataxia-telangiectasia syndrome (AT). Also called: ATAXIA-TELANGIECTASIA, FRESNO VARIANT; Ataxia-telangiectasia, complementation group E; ATAXIA-TELANGIECTASIA, COMPLEMENTATION GROUP A; LOUIS-BAR SYNDROME; Ataxia-telangiectasia, complementation group D; AT, COMPLEMENTATION GROUP C. Identifiers: Orphanet 100, MedGen C0004135, MONDO:0008840, OMIM 208900.
Familial cancer of breast. Also called: hereditary breast carcinoma; Hereditary breast cancer; BREAST CANCER, FAMILIAL. Identifiers: Orphanet 227535, MedGen C0346153, MONDO:0016419, OMIM 114480. Disease mechanism: loss of function.

Allele frequency attached by ClinVar (database versions not stated): gnomAD exomes below 0.00001.
gnomAD v4.1: 2 of 1,613,814 alleles (0.00012%); highest among the groups gnomAD compares: South Asian, 0.0011%; no homozygotes.

Submissions (4):

Labcorp Genetics (formerly Invitae), Labcorp
Classification: Likely benign for Ataxia-telangiectasia syndrome. Last evaluated: 2025-01-08. Review status: criteria provided, single submitter. Criteria: Invitae Variant Classification Sherloc (09022015). Collection method: clinical testing. Allele origin: germline.

Myriad Genetics, Inc.
Classification: Benign for Familial cancer of breast. Last evaluated: 2024-05-13. Review status: criteria provided, single submitter. Criteria: Myriad Autosomal Dominant, Autosomal Recessive and X-Linked Classification Criteria (2023). Collection method: clinical testing. Allele origin: unknown.
Comment: This variant is considered benign. This variant is a silent/synonymous amino acid change and it is not expected to impact splicing.

Ambry Genetics
Classification: Likely benign for Hereditary cancer-predisposing syndrome. Last evaluated: 2022-01-17. Review status: criteria provided, single submitter. Criteria: Ambry Variant Classification Scheme 2023. Collection method: clinical testing. Allele origin: germline.

Natera, Inc.
Classification: Uncertain significance for Ataxia-telangiectasia. Last evaluated: 2020-03-17. Review status: no assertion criteria provided. Collection method: clinical testing. Allele origin: germline. Not counted in ClinVar's aggregate classification.

NM_000051.4(ATM):c.2952A>G (p.Gln984=)

Gene: ATM (ATM serine/threonine kinase; plus strand). Cytogenetic location: 11q22.3.
Variant type: single nucleotide variant.
Coding change: c.2952A>G on transcript NM_000051.4 (MANE Select); coding-DNA position 2952, A replaced by G.
Protein change: p.Gln984=; no amino-acid change (glutamine 984 retained).
Molecular consequence: synonymous variant.
Genome position (GRCh38, 1-based): chr11:108,271,281, A>G. VCF-style: chr11-108271281-A-G. GRCh37 (hg19) VCF-style: chr11-108142008-A-G.
Other names: c.2952A>G (NM_000051.3); c.2952A>G, p.Gln984= (NM_001351834.2).
Identifiers: ClinVar variation 1052997 (VCV001052997.16), dbSNP rs1476499901, ClinGen allele CA476674276.